The following is an entry in ClinVar:

NM_001369.3(DNAH5):c.893_896del (p.Asn298fs)

Gene: DNAH5 (dynein axonemal heavy chain 5; minus strand). Cytogenetic location: 5p15.2.
Variant type: Deletion.
Coding change: c.893_896del on transcript NM_001369.3 (MANE Select); coding-DNA positions 893 to 896, 4 bases deleted (ACTA; older notation c.893_896delACTA).
Protein change: p.Asn298fs; shifts the reading frame from asparagine 298.
Molecular consequence: frameshift variant.
Genome position (GRCh38, 1-based): chr5:13,919,255-13,919,258, TAGT deleted on the plus strand (ACTA on the coding strand, the reverse complement: DNAH5 is on the minus strand); deleting any 4 consecutive bases within chr5:13,919,255-13,919,260 gives the same sequence; the c. name uses the placement nearest the transcript's 3' end. VCF-style (leftmost placement, unchanged base first): chr5-13919254-GTAGT-G. GRCh37 (hg19) VCF-style: chr5-13919363-GTAGT-G.
Other names: short protein forms N298fs.
Identifiers: ClinVar variation 3725390 (VCV003725390.2).

ClinVar aggregate classification (germline): Pathogenic (1 of 4 stars; one submission).

Conditions:
Primary ciliary dyskinesia. Also called: Ciliary dyskinesia. Identifiers: Orphanet 244, MedGen C0008780, MONDO:0016575, HP:0012265.

Submission:

Labcorp Genetics (formerly Invitae), Labcorp
Classification: Pathogenic for Primary ciliary dyskinesia. Last evaluated: 2024-10-06. Review status: criteria provided, single submitter. Criteria: Invitae Variant Classification Sherloc (09022015). Collection method: clinical testing. Allele origin: germline.
Comment: This sequence change creates a premature translational stop signal (p.Asn298Thrfs*6) in the DNAH5 gene. It is expected to result in an absent or disrupted protein product. Loss-of-function variants in DNAH5 are known to be pathogenic (PMID: 11788826, 16627867). This variant is not present in population databases (gnomAD no frequency). This variant has not been reported in the literature in individuals affected with DNAH5-related conditions. For these reasons, this variant has been classified as Pathogenic.

Literature cited by the submitters: PubMed 11788826; PubMed 16627867.